The following is an entry in ClinVar:

ClinVar aggregate classification (germline): Likely benign. Review status: criteria provided, multiple submitters, no conflicts (2 of 4 stars). 2 submissions from 2 submitters: Likely benign (2). Last evaluated 2023-12-05.

Allele frequency attached by ClinVar (database versions not stated): gnomAD exomes below 0.00001; gnomAD 0.00001; TOPMed 0.00002.
gnomAD v4.1: 5 of 1,613,524 alleles (0.00031%); highest among the groups gnomAD compares: Non-Finnish European, 0.00042%; no homozygotes.

Submissions (2):

Labcorp Genetics (formerly Invitae), Labcorp
Classification: Likely benign. Last evaluated: 2023-12-05. Review status: criteria provided, single submitter. Criteria: Invitae Variant Classification Sherloc (09022015). Collection method: clinical testing. Allele origin: germline.

GeneDx
Classification: Likely benign. Last evaluated: 2016-02-11. Review status: criteria provided, single submitter. Criteria: GeneDx Variant Classification (06012015). Collection method: clinical testing. Allele origin: germline. Affected: yes.
Comment: This variant is considered likely benign or benign based on one or more of the following criteria: it is a conservative change, it occurs at a poorly conserved position in the protein, it is predicted to be benign by multiple in silico algorithms, and/or has population frequency not consistent with disease.

NM_016955.4(SEPSECS):c.1464A>G (p.Leu488=)

Gene: SEPSECS (Sep (O-phosphoserine) tRNA:Sec (selenocysteine) tRNA synthase; minus strand). Cytogenetic location: 4p15.2.
Variant type: single nucleotide variant.
Coding change: c.1464A>G on transcript NM_016955.4 (MANE Select); coding-DNA position 1464, A replaced by G.
Protein change: p.Leu488=; no amino-acid change (leucine 488 retained).
Molecular consequence: synonymous variant.
Genome position (GRCh38, 1-based): chr4:25,123,973, T>C on the plus strand (A>G on the coding strand, the complement: SEPSECS is on the minus strand). VCF-style: chr4-25123973-T-C. GRCh37 (hg19) VCF-style: chr4-25125595-T-C.
Identifiers: ClinVar variation 383633 (VCV000383633.9), dbSNP rs912718567, ClinGen allele CA16604706.